The following is an entry in ClinVar:

ClinVar aggregate classification (germline): Uncertain significance (1 of 4 stars; one submission).

Conditions:
Ataxia-telangiectasia syndrome (AT). Also called: Ataxia-telangiectasia; LOUIS-BAR SYNDROME; Ataxia-telangiectasia, complementation group D; AT, COMPLEMENTATION GROUP C; ATAXIA-TELANGIECTASIA, COMPLEMENTATION GROUP A; ATAXIA-TELANGIECTASIA, FRESNO VARIANT. Identifiers: Orphanet 100, MedGen C0004135, MONDO:0008840, OMIM 208900.

Allele frequency attached by ClinVar (database versions not stated): 1000 Genomes Project 0.00020.
gnomAD v4.1: 1 of 1,608,914 alleles (0.000062%); highest among the groups gnomAD compares: South Asian, 0.0011%; no homozygotes.

Submission:

Labcorp Genetics (formerly Invitae), Labcorp
Classification: Uncertain significance for Ataxia-telangiectasia syndrome. Last evaluated: 2021-11-09. Review status: criteria provided, single submitter. Criteria: Invitae Variant Classification Sherloc (09022015). Collection method: clinical testing. Allele origin: germline.
Comment: This sequence change falls in intron 47 of the ATM gene. It does not directly change the encoded amino acid sequence of the ATM protein. It affects a nucleotide within the consensus splice site. This variant is not present in population databases (gnomAD no frequency). This variant has not been reported in the literature in individuals affected with ATM-related conditions. Variants that disrupt the consensus splice site are a relatively common cause of aberrant splicing (PMID: 17576681, 9536098). Algorithms developed to predict the effect of sequence changes on RNA splicing suggest that this variant may disrupt the consensus splice site. In summary, the available evidence is currently insufficient to determine the role of this variant in disease. Therefore, it has been classified as a Variant of Uncertain Significance.

Literature cited by the submitters: PubMed 17576681; PubMed 9536098.

NM_000051.4(ATM):c.6975+5G>C

Genes: ATM (ATM serine/threonine kinase; plus strand), C11orf65 (chromosome 11 open reading frame 65; minus strand). Cytogenetic location: 11q22.3.
Variant type: single nucleotide variant.
Coding change: c.6975+5G>C on transcript NM_000051.4 (MANE Select); 5 bases into the intron after coding-DNA position 6975, G replaced by C.
Molecular consequence: intron variant.
Genome position (GRCh38, 1-based): chr11:108,326,230, G>C. VCF-style: chr11-108326230-G-C. GRCh37 (hg19) VCF-style: chr11-108196957-G-C.
Other names: c.6975+5G>C (NM_001351834.2); c.641-17159C>G (NM_001330368.2); c.*38+8990C>G (NM_001351110.2).
Identifiers: ClinVar variation 1392234 (VCV001392234.7), dbSNP rs575354684, ClinGen allele CA228413315.